The following is an entry in ClinVar:

NM_005188.4(CBL):c.444-14C>A

Gene: CBL (Cbl proto-oncogene; plus strand). Cytogenetic location: 11q23.3.
Variant type: single nucleotide variant.
Coding change: c.444-14C>A on transcript NM_005188.4 (MANE Select); 14 bases into the intron before coding-DNA position 444, C replaced by A.
Molecular consequence: intron variant.
Genome position (GRCh38, 1-based): chr11:119,271,721, C>A. VCF-style: chr11-119271721-C-A. GRCh37 (hg19) VCF-style: chr11-119142431-C-A.
Identifiers: ClinVar variation 3010320 (VCV003010320.3), dbSNP rs2496927240, ClinGen allele CA2616386402.

ClinVar aggregate classification (germline): Uncertain significance (1 of 4 stars; one submission).

Conditions:
RASopathy. Also called: rasopathies; Noonan spectrum disorder. Identifiers: Orphanet 536391, MedGen C5555857, MONDO:0021060.

Submission:

Labcorp Genetics (formerly Invitae), Labcorp
Classification: Uncertain significance for RASopathy. Last evaluated: 2023-02-28. Review status: criteria provided, single submitter. Criteria: Invitae Variant Classification Sherloc (09022015). Collection method: clinical testing. Allele origin: germline.
Comment: In summary, the available evidence is currently insufficient to determine the role of this variant in disease. Therefore, it has been classified as a Variant of Uncertain Significance. Algorithms developed to predict the effect of sequence changes on RNA splicing suggest that this variant may create or strengthen a splice site. This variant has not been reported in the literature in individuals affected with CBL-related conditions. This variant is not present in population databases (gnomAD no frequency). This sequence change falls in intron 2 of the CBL gene. It does not directly change the encoded amino acid sequence of the CBL protein.